The following is an entry in ClinVar:

NM_001129890.2(LRRC69):c.501C>T (p.Cys167=)

Gene: LRRC69 (leucine rich repeat containing 69; plus strand). Cytogenetic location: 8q21.3.
Variant type: single nucleotide variant.
Coding change: c.501C>T on transcript NM_001129890.2 (MANE Select); coding-DNA position 501, C replaced by T.
Protein change: p.Cys167=; no amino-acid change (cysteine 167 retained).
Molecular consequence: synonymous variant. On other transcripts: non-coding transcript variant (1), intron variant (1).
Genome position (GRCh38, 1-based): chr8:91,133,227, C>T. VCF-style: chr8-91133227-C-T. GRCh37 (hg19) VCF-style: chr8-92145455-C-T.
Other names: c.183+30383C>T (NM_001354470.2).
Identifiers: ClinVar variation 2658685 (VCV002658685.24), dbSNP rs554862312, ClinGen allele CA4804958.

ClinVar aggregate classification (germline): Likely benign (1 of 4 stars; one submission).

Allele frequency attached by ClinVar (database versions not stated): TOPMed 0.00020; ExAC 0.00021; gnomAD 0.00028; gnomAD exomes 0.00037.
gnomAD v4.1: 547 of 1,540,078 alleles (0.036%); highest among the groups gnomAD compares: Non-Finnish European, 0.045%; 1 homozygote.

Submission:

CeGaT Center for Human Genetics Tuebingen
Classification: Likely benign. Last evaluated: 2023-04-01. Review status: criteria provided, single submitter. Criteria: CeGaT Center For Human Genetics Tuebingen Variant Classification Criteria Version 2. Collection method: clinical testing. Allele origin: germline. Affected: yes. Observed: 1 variant allele.
Comment: LRRC69: BP4, BP7